The following is an entry in ClinVar:

ClinVar aggregate classification (germline): Uncertain significance (1 of 4 stars; one submission).

Conditions:
Cardiovascular phenotype. Identifiers: MedGen CN230736.

Submission:

Ambry Genetics
Classification: Uncertain significance for Cardiovascular phenotype. Last evaluated: 2026-01-24. Review status: criteria provided, single submitter. Criteria: Ambry Variant Classification Scheme 2023. Collection method: clinical testing. Allele origin: germline.
Comment: The p.P120S variant (also known as c.358C>T), located in coding exon 4 of the CACNB2 gene, results from a C to T substitution at nucleotide position 358. The proline at codon 120 is replaced by serine, an amino acid with similar properties. This amino acid position is conserved. In addition, this alteration is predicted to be deleterious by in silico analysis. Based on the available evidence, the clinical significance of this variant remains unclear.

NM_201596.3(CACNB2):c.520C>T (p.Pro174Ser)

Gene: CACNB2 (calcium voltage-gated channel auxiliary subunit beta 2; plus strand). Cytogenetic location: 10p12.31.
Variant type: single nucleotide variant.
Coding change: c.520C>T on transcript NM_201596.3 (MANE Select); coding-DNA position 520, C replaced by T.
Protein change: p.Pro174Ser; replaces proline 174 with serine.
Molecular consequence: missense variant.
Genome position (GRCh38, 1-based): chr10:18,500,875, C>T. VCF-style: chr10-18500875-C-T. GRCh37 (hg19) VCF-style: chr10-18789804-C-T.
Other names: c.355C>T, p.Pro119Ser (NM_000724.4, NM_001330060.2); c.436C>T, p.Pro146Ser (NM_001167945.2, NM_201571.4, NM_201572.4); c.376C>T, p.Pro126Ser (NM_001410882.1, NM_201570.3); c.358C>T, p.Pro120Ser (NM_201590.3); c.520C>T, p.Pro174Ser (NM_201593.3, NM_201597.3); short protein forms P174S, P119S, P120S, P126S, P146S.
Identifiers: ClinVar variation 4844192 (VCV004844192.1).